The following is an entry in ClinVar:

NM_182914.3(SYNE2):c.7880A>G (p.Glu2627Gly)

Gene: SYNE2 (spectrin repeat containing nuclear envelope protein 2; plus strand). Cytogenetic location: 14q23.2.
Variant type: single nucleotide variant.
Coding change: c.7880A>G on transcript NM_182914.3 (MANE Select); coding-DNA position 7880, A replaced by G.
Protein change: p.Glu2627Gly; replaces glutamic acid 2627 with glycine.
Molecular consequence: missense variant.
Genome position (GRCh38, 1-based): chr14:64,051,793, A>G. VCF-style: chr14-64051793-A-G. GRCh37 (hg19) VCF-style: chr14-64518511-A-G.
Other names: c.7880A>G, p.Glu2627Gly (NM_015180.6); short protein forms E2627G.
Identifiers: ClinVar variation 2193496 (VCV002193496.7), dbSNP rs1440652896, ClinGen allele CA389961772.

ClinVar aggregate classification (germline): Uncertain significance. Review status: criteria provided, multiple submitters, no conflicts (2 of 4 stars). 3 submissions from 3 submitters: Uncertain significance (3). Last evaluated 2025-07-02.

Conditions:
Emery-Dreifuss muscular dystrophy 5, autosomal dominant (EDMD5). Also called: EMERY-DREIFUSS MUSCULAR DYSTROPHY 5. Identifiers: Orphanet 261, MedGen C2751805, MONDO:0013072, OMIM 612999.

Allele frequency attached by ClinVar (database versions not stated): TOPMed 0.00001; gnomAD 0.00001; gnomAD exomes 0.00001.
gnomAD v4.1: 20 of 1,614,082 alleles (0.0012%); highest among the groups gnomAD compares: Non-Finnish European, 0.0016%; no homozygotes.

Submissions (3):

Labcorp Genetics (formerly Invitae), Labcorp
Classification: Uncertain significance for Emery-Dreifuss muscular dystrophy 5, autosomal dominant. Last evaluated: 2025-07-02. Review status: criteria provided, single submitter. Criteria: Invitae Variant Classification Sherloc (09022015). Collection method: clinical testing. Allele origin: germline.
Comment: This sequence change replaces glutamic acid, which is acidic and polar, with glycine, which is neutral and non-polar, at codon 2627 of the SYNE2 protein (p.Glu2627Gly). This variant is present in population databases (no rsID available, gnomAD 0.003%). This variant has not been reported in the literature in individuals affected with SYNE2-related conditions. ClinVar contains an entry for this variant (Variation ID: 2193496). An algorithm developed to predict the effect of missense changes on protein structure and function (PolyPhen-2) suggests that this variant is likely to be disruptive. In summary, the available evidence is currently insufficient to determine the role of this variant in disease. Therefore, it has been classified as a Variant of Uncertain Significance.

Ambry Genetics
Classification: Uncertain significance. Last evaluated: 2025-03-31. Review status: criteria provided, single submitter. Criteria: Ambry Variant Classification Scheme 2023. Collection method: clinical testing. Allele origin: germline.

Revvity Omics, Revvity
Classification: Uncertain significance for Emery-Dreifuss muscular dystrophy 5, autosomal dominant. Last evaluated: 2023-06-30. Review status: criteria provided, single submitter. Criteria: ACMG Guidelines, 2015. Collection method: clinical testing. Allele origin: germline.